The following is an entry in ClinVar:

ClinVar aggregate classification (germline): Benign/Likely benign. Review status: criteria provided, multiple submitters, no conflicts (2 of 4 stars). 4 submissions from 4 submitters: Benign (2); Likely benign (2). Last evaluated 2025-09-13.

Conditions:
ASXL2-related disorder. Also called: ASXL2-related condition.

Allele frequency attached by ClinVar (database versions not stated): gnomAD exomes 0.00015; ExAC 0.00020; gnomAD 0.00059 and 0.00060; 1000 Genomes Project 0.00080; TOPMed 0.00081; ESP Exome Variant Server 0.00067; 1000 Genomes Project 30x 0.00109.
gnomAD v4.1: 176 of 1,589,100 alleles (0.011%); highest among the groups gnomAD compares: African/African-American, 0.21%; no homozygotes.

Submissions (4):

PreventionGenetics, part of Exact Sciences
Classification: Likely benign for ASXL2-related condition. Last evaluated: 2025-09-13. Review status: criteria provided, single submitter. Criteria: ACMG Guidelines, 2015. Collection method: clinical testing. Allele origin: germline.
Comment: This variant is classified as likely benign based on ACMG/AMP sequence variant interpretation guidelines (Richards et al. 2015 PMID: 25741868, with internal and published modifications).

Labcorp Genetics (formerly Invitae), Labcorp
Classification: Benign. Last evaluated: 2025-09-06. Review status: criteria provided, single submitter. Criteria: Invitae Variant Classification Sherloc (09022015). Collection method: clinical testing. Allele origin: germline.

Blueprint Genetics
Classification: Likely benign. Last evaluated: 2023-06-16. Review status: criteria provided, single submitter. Criteria: ACMG Guidelines, 2015. Collection method: clinical testing. Allele origin: germline.

Breakthrough Genomics
Classification: Benign. Review status: criteria provided, single submitter. Criteria: ACMG Guidelines, 2015. Collection method: not provided. Allele origin: germline. Inheritance: Autosomal dominant inheritance. Affected: yes.

NM_018263.6(ASXL2):c.1863C>A (p.Ile621=)

Gene: ASXL2 (ASXL transcriptional regulator 2; minus strand). Cytogenetic location: 2p23.3.
Variant type: single nucleotide variant.
Coding change: c.1863C>A on transcript NM_018263.6 (MANE Select); coding-DNA position 1863, C replaced by A.
Protein change: p.Ile621=; no amino-acid change (isoleucine 621 retained).
Molecular consequence: synonymous variant.
Genome position (GRCh38, 1-based): chr2:25,744,474, G>T on the plus strand (C>A on the coding strand, the complement: ASXL2 is on the minus strand). VCF-style: chr2-25744474-G-T. GRCh37 (hg19) VCF-style: chr2-25967343-G-T.
Other names: c.1863C>A (NM_018263.4); c.1689C>A, p.Ile563= (NM_001369346.1); c.1083C>A, p.Ile361= (NM_001369347.1).
Identifiers: ClinVar variation 1542644 (VCV001542644.11), dbSNP rs114145835, ClinGen allele CA1557735.